The following is an entry in ClinVar:

NM_020937.4(FANCM):c.2878T>C (p.Phe960Leu)

Gene: FANCM (FA complementation group M; plus strand). Cytogenetic location: 14q21.2.
Variant type: single nucleotide variant.
Coding change: c.2878T>C on transcript NM_020937.4 (MANE Select); coding-DNA position 2878, T replaced by C.
Protein change: p.Phe960Leu; replaces phenylalanine 960 with leucine.
Molecular consequence: missense variant.
Genome position (GRCh38, 1-based): chr14:45,175,632, T>C. VCF-style: chr14-45175632-T-C. GRCh37 (hg19) VCF-style: chr14-45644835-T-C.
Other names: c.2800T>C, p.Phe934Leu (NM_001308133.2); c.2878T>C (NM_020937.2); short protein forms F960L, F934L.
Identifiers: ClinVar variation 1480165 (VCV001480165.7), dbSNP rs761671822, ClinGen allele CA7169422.

ClinVar aggregate classification (germline): Uncertain significance. Review status: criteria provided, multiple submitters, no conflicts (2 of 4 stars). 2 submissions from 2 submitters: Uncertain significance (2). Last evaluated 2025-02-22.

Conditions:
Inborn genetic diseases. Identifiers: MedGen C0950123, MeSH D030342.
Fanconi anemia (FA). Also called: Fanconi's anemia. Identifiers: Orphanet 84, MedGen C0015625, MeSH D005199, MONDO:0019391.

Allele frequency attached by ClinVar (database versions not stated): gnomAD exomes below 0.00001 and 0.00001; ExAC 0.00001; gnomAD 0.00002; TOPMed 0.00003.
gnomAD v4.1: 11 of 1,613,230 alleles (0.00068%); highest among the groups gnomAD compares: African/African-American, 0.0093%; no homozygotes.

Submissions (2):

Ambry Genetics
Classification: Uncertain significance for Inborn genetic diseases. Last evaluated: 2025-02-22. Review status: criteria provided, single submitter. Criteria: Ambry Variant Classification Scheme 2023. Collection method: clinical testing. Allele origin: germline.
Comment: The p.F960L variant (also known as c.2878T>C), located in coding exon 14 of the FANCM gene, results from a T to C substitution at nucleotide position 2878. The phenylalanine at codon 960 is replaced by leucine, an amino acid with highly similar properties. This amino acid position is conserved. In addition, this alteration is predicted to be tolerated by in silico analysis. Based on the available evidence, the clinical significance of this variant remains unclear.

Labcorp Genetics (formerly Invitae), Labcorp
Classification: Uncertain significance for Fanconi anemia. Last evaluated: 2023-07-31. Review status: criteria provided, single submitter. Criteria: Invitae Variant Classification Sherloc (09022015). Collection method: clinical testing. Allele origin: germline.
Comment: In summary, the available evidence is currently insufficient to determine the role of this variant in disease. Therefore, it has been classified as a Variant of Uncertain Significance. This variant has not been reported in the literature in individuals affected with FANCM-related conditions. ClinVar contains an entry for this variant (Variation ID: 1480165). Algorithms developed to predict the effect of missense changes on protein structure and function output the following: SIFT: "Not Available"; PolyPhen-2: "Benign"; Align-GVGD: "Not Available". The leucine amino acid residue is found in multiple mammalian species, which suggests that this missense change does not adversely affect protein function. This variant is present in population databases (rs761671822, gnomAD 0.003%). This sequence change replaces phenylalanine, which is neutral and non-polar, with leucine, which is neutral and non-polar, at codon 960 of the FANCM protein (p.Phe960Leu).